The following is an entry in ClinVar:

NM_018418.5(SPATA7):c.382G>A (p.Glu128Lys)

Gene: SPATA7 (spermatogenesis associated 7; plus strand). Cytogenetic location: 14q31.3.
Variant type: single nucleotide variant.
Coding change: c.382G>A on transcript NM_018418.5 (MANE Select); coding-DNA position 382, G replaced by A.
Protein change: p.Glu128Lys; replaces glutamic acid 128 with lysine.
Molecular consequence: missense variant.
Genome position (GRCh38, 1-based): chr14:88,426,241, G>A. VCF-style: chr14-88426241-G-A. GRCh37 (hg19) VCF-style: chr14-88892585-G-A.
Other names: c.286G>A, p.Glu96Lys (NM_001040428.4); c.382G>A (NM_018418.4); short protein forms E128K, E96K.
Identifiers: ClinVar variation 1059029 (VCV001059029.6), dbSNP rs768713530, ClinGen allele CA7298527.

ClinVar aggregate classification (germline): Uncertain significance. Review status: criteria provided, multiple submitters, no conflicts (2 of 4 stars). 3 submissions from 3 submitters: Uncertain significance (3). Last evaluated 2024-03-19.

Conditions:
Leber congenital amaurosis 3 (LCA3). Also called: SPATA7-Related Retinitis Pigmentosa. Identifiers: MedGen C1858677, MONDO:0011415, OMIM 604232.
Inborn genetic diseases. Identifiers: MedGen C0950123, MeSH D030342.

Allele frequency attached by ClinVar (database versions not stated): gnomAD 0.00001; ExAC 0.00002; gnomAD exomes 0.00002 and 0.00006; TOPMed 0.00004.
gnomAD v4.1: 30 of 1,613,162 alleles (0.0019%); highest among the groups gnomAD compares: Admixed American, 0.032%; no homozygotes.

Submissions (3):

Blueprint Genetics
Classification: Uncertain significance. Last evaluated: 2024-03-19. Review status: criteria provided, single submitter. Criteria: ACMG Guidelines, 2015. Collection method: clinical testing. Allele origin: germline.

Ambry Genetics
Classification: Uncertain significance for Inborn genetic diseases. Last evaluated: 2022-11-03. Review status: criteria provided, single submitter. Criteria: Ambry Variant Classification Scheme 2023. Collection method: clinical testing. Allele origin: germline.

Labcorp Genetics (formerly Invitae), Labcorp
Classification: Uncertain significance for Leber congenital amaurosis 3. Last evaluated: 2022-10-04. Review status: criteria provided, single submitter. Criteria: Invitae Variant Classification Sherloc (09022015). Collection method: clinical testing. Allele origin: germline.
Comment: This sequence change replaces glutamic acid, which is acidic and polar, with lysine, which is basic and polar, at codon 128 of the SPATA7 protein (p.Glu128Lys). This variant is present in population databases (rs768713530, gnomAD 0.04%). This variant has not been reported in the literature in individuals affected with SPATA7-related conditions. ClinVar contains an entry for this variant (Variation ID: 1059029). Advanced modeling of protein sequence and biophysical properties (such as structural, functional, and spatial information, amino acid conservation, physicochemical variation, residue mobility, and thermodynamic stability) performed at Invitae indicates that this missense variant is not expected to disrupt SPATA7 protein function. In summary, the available evidence is currently insufficient to determine the role of this variant in disease. Therefore, it has been classified as a Variant of Uncertain Significance.